The following is an entry in ClinVar:

ClinVar aggregate classification (germline): Uncertain significance (1 of 4 stars; one submission).

Conditions:
Cobalamin C disease. Also called: Methylmalonic aciduria and homocystinuria, Vitamin B12-responsive; Vitamin B12 metabolic defect with combined deficiency of methylmalonyl-CoA mutase and homocysteine:methyltetrahydrofolate methyltransferase; Cobalamin-C methylmalonic acidemia and homocystinuria; Methylmalonic acidemia and homocystinuria cblC type; methylmalonic aciduria and homocystinuria type cblC; Methylmalonic aciduria with homocystinuria cblC type. Identifiers: Orphanet 26, Orphanet 79282, MedGen C1848561, MONDO:0010184, OMIM 277400.

Submission:

Labcorp Genetics (formerly Invitae), Labcorp
Classification: Uncertain significance for Cobalamin C disease. Last evaluated: 2022-10-24. Review status: criteria provided, single submitter. Criteria: Invitae Variant Classification Sherloc (09022015). Collection method: clinical testing. Allele origin: germline.
Comment: This variant is not present in population databases (gnomAD no frequency). This variant, c.717_728del, results in the deletion of 4 amino acid(s) of the MMACHC protein (p.Glu241_Ser244del), but otherwise preserves the integrity of the reading frame. This variant has not been reported in the literature in individuals affected with MMACHC-related conditions. In summary, the available evidence is currently insufficient to determine the role of this variant in disease. Therefore, it has been classified as a Variant of Uncertain Significance. Experimental studies and prediction algorithms are not available or were not evaluated, and the functional significance of this variant is currently unknown.

NM_015506.3(MMACHC):c.717_728del (p.Glu241_Ser244del)

Gene: MMACHC (metabolism of cobalamin associated C; plus strand). Cytogenetic location: 1p34.1.
Variant type: Deletion.
Coding change: c.717_728del on transcript NM_015506.3 (MANE Select); coding-DNA positions 717 to 728, 12 bases deleted (CTCAGAGAAGCC).
Protein change: p.Glu241_Ser244del.
Molecular consequence: inframe deletion.
Genome position (GRCh38, 1-based): chr1:45,509,083-45,509,094, CTCAGAGAAGCC deleted; deleting any 12 consecutive bases within chr1:45,509,079-45,509,094 gives the same sequence; the c. name uses the placement nearest the transcript's 3' end. VCF-style (leftmost placement, unchanged base first): chr1-45509078-CAGCCCTCAGAGA-C. GRCh37 (hg19) VCF-style: chr1-45974750-CAGCCCTCAGAGA-C.
Other names: c.546_557del, p.Glu184_Ser187del (NM_001330540.2).
Identifiers: ClinVar variation 2109197 (VCV002109197.4), dbSNP rs2522828960, ClinGen allele CA2580062915.
Genomic context (GRCh38, chr1:45,509,078, plus strand): 5'-GAGCAGAAGGCCTACTTCTCCACTCCACCTGCCCAACGATTGGCCCTATTGGGCTTGGCT[CAGCCCTCAGAGA>C]AGCCTAGTTCTCCCTCCCCGGACCTTCCCTTTACCACACCCGCCCCCAAGAAGCCTGGGA-3'